The following is an entry in ClinVar:

NM_015346.4(ZFYVE26):c.1550_1551insCT (p.Gln517fs)

Gene: ZFYVE26 (zinc finger FYVE-type containing 26; minus strand). Cytogenetic location: 14q24.1.
Variant type: Insertion.
Coding change: c.1550_1551insCT on transcript NM_015346.4 (MANE Select); coding-DNA positions 1550 to 1551, CT inserted.
Protein change: p.Gln517fs; shifts the reading frame from glutamine 517.
Molecular consequence: frameshift variant.
Genome position: GRCh38 VCF-style: chr14-67802167-C-CAG. GRCh37 (hg19) VCF-style: chr14-68268884-C-CAG.
Other names: short protein forms Q517fs.
Identifiers: ClinVar variation 1724268 (VCV001724268.2), dbSNP rs2502866902, ClinGen allele CA2580088655.
Genomic context (GRCh38, chr14:67,802,167, plus strand): 5'-CTCTGTAGCTGAGGCCAGGTCCTCAGAGAGGCTGTCTTTGCAGTCCTGGCACTGGGAGTG[C>CAG]TGGTGTGAGTTTACACAGAGGGCATAGATGGCATACTTCATGGCACAGAAGCCCTGGTAG-3'

ClinVar aggregate classification (germline): Likely pathogenic (1 of 4 stars; one submission).

Conditions:
Hereditary spastic paraplegia 15 (SPG15). Also called: SPASTIC PARAPLEGIA 15, AUTOSOMAL RECESSIVE; KJELLIN SYNDROME; SPASTIC PARAPLEGIA AND RETINAL DEGENERATION. Identifiers: Orphanet 100996, MedGen C1849128, MONDO:0010044, OMIM 270700.

Submission:

Myriad Genetics, Inc.
Classification: Likely pathogenic for Hereditary spastic paraplegia 15. Last evaluated: 2022-02-02. Review status: criteria provided, single submitter. Criteria: Myriad Women's Health Autosomal Recessive and X-Linked Classification Criteria (2021). Collection method: clinical testing. Allele origin: unknown.
Comment: NM_015346.3(ZFYVE26):c.1550_1551insCT(Q517Hfs*98) is expected to be pathogenic in the context of spastic paraplegia type 15. This variant is predicted to lead to an abnormal or absent protein product due to the creation of a premature termination codon in ZFYVE26, a gene where loss-of-function variants are known to be pathogenic. Please note: this variant was assessed in the context of healthy population screening.